The following is an entry in ClinVar:

ClinVar aggregate classification (germline): Uncertain significance. Review status: criteria provided, multiple submitters, no conflicts (2 of 4 stars). 2 submissions from 2 submitters: Uncertain significance (2). Last evaluated 2025-12-02.

Conditions:
Charcot-Marie-Tooth disease recessive intermediate C. Also called: CHARCOT-MARIE-TOOTH NEUROPATHY, RECESSIVE INTERMEDIATE C. Identifiers: Orphanet 369867, MedGen C3809309, MONDO:0014154, OMIM 615376.
Neuronopathy, distal hereditary motor, autosomal recessive 4. Also called: Autosomal recessive lower motor neuron disease with childhood onset; NEUROPATHY, DISTAL HEREDITARY MOTOR, AUTOSOMAL RECESSIVE 4. Identifiers: Orphanet 206580, MedGen C1970211, MONDO:0012608, OMIM 611067.
Inborn genetic diseases. Identifiers: MedGen C0950123, MeSH D030342.

Allele frequency attached by ClinVar (database versions not stated): gnomAD 0.00001; gnomAD exomes 0.00001 and 0.00002; ExAC 0.00004.
gnomAD v4.1: 12 of 1,598,396 alleles (0.00075%); highest among the groups gnomAD compares: Non-Finnish European, 0.001%; no homozygotes.

Submissions (2):

Ambry Genetics
Classification: Uncertain significance for Inborn genetic diseases. Last evaluated: 2025-12-02. Review status: criteria provided, single submitter. Criteria: Ambry Variant Classification Scheme 2023. Collection method: clinical testing. Allele origin: germline.

Labcorp Genetics (formerly Invitae), Labcorp
Classification: Uncertain significance for Neuronopathy, distal hereditary motor, autosomal recessive 4; Charcot-Marie-Tooth disease recessive intermediate C. Last evaluated: 2022-10-25. Review status: criteria provided, single submitter. Criteria: Invitae Variant Classification Sherloc (09022015). Collection method: clinical testing. Allele origin: germline.
Comment: This sequence change replaces arginine, which is basic and polar, with glutamine, which is neutral and polar, at codon 535 of the PLEKHG5 protein (p.Arg535Gln). This variant is present in population databases (rs752167528, gnomAD 0.003%). This variant has not been reported in the literature in individuals affected with PLEKHG5-related conditions. ClinVar contains an entry for this variant (Variation ID: 849452). Algorithms developed to predict the effect of missense changes on protein structure and function output the following: SIFT: "Tolerated"; PolyPhen-2: "Benign"; Align-GVGD: "Class C0". The glutamine amino acid residue is found in multiple mammalian species, which suggests that this missense change does not adversely affect protein function. In summary, the available evidence is currently insufficient to determine the role of this variant in disease. Therefore, it has been classified as a Variant of Uncertain Significance.

NM_020631.6(PLEKHG5):c.1604G>A (p.Arg535Gln)

Gene: PLEKHG5 (pleckstrin homology and RhoGEF domain containing G5; minus strand). Cytogenetic location: 1p36.31.
Variant type: single nucleotide variant.
Coding change: c.1604G>A on transcript NM_020631.6 (MANE Select); coding-DNA position 1604, G replaced by A.
Protein change: p.Arg535Gln; replaces arginine 535 with glutamine.
Molecular consequence: missense variant.
Genome position (GRCh38, 1-based): chr1:6,470,582, C>T on the plus strand (G>A on the coding strand, the complement: PLEKHG5 is on the minus strand). VCF-style: chr1-6470582-C-T. GRCh37 (hg19) VCF-style: chr1-6530642-C-T.
Other names: c.1715G>A, p.Arg572Gln (NM_001042663.3, NM_001265592.2); c.1604G>A, p.Arg535Gln (NM_001042664.2, NM_001042665.2, NM_001265594.3 and 1 more transcripts); c.1811G>A, p.Arg604Gln (NM_001265593.2); short protein forms R604Q, R535Q, R572Q.
Identifiers: ClinVar variation 849452 (VCV000849452.7), dbSNP rs752167528, ClinGen allele CA561449.